The following is an entry in ClinVar:

NM_001040108.2(MLH3):c.964G>A (p.Glu322Lys)

Gene: MLH3 (mutL homolog 3; minus strand). Cytogenetic location: 14q24.3.
Variant type: single nucleotide variant.
Coding change: c.964G>A on transcript NM_001040108.2 (MANE Select); coding-DNA position 964, G replaced by A.
Protein change: p.Glu322Lys; replaces glutamic acid 322 with lysine.
Molecular consequence: missense variant.
Genome position (GRCh38, 1-based): chr14:75,048,692, C>T on the plus strand (G>A on the coding strand, the complement: MLH3 is on the minus strand). VCF-style: chr14-75048692-C-T. GRCh37 (hg19) VCF-style: chr14-75515395-C-T.
Other names: c.964G>A, p.Glu322Lys (NM_014381.3); short protein forms E322K.
Identifiers: ClinVar variation 4108670 (VCV004108670.1).

ClinVar aggregate classification (germline): Uncertain significance (1 of 4 stars; one submission).

Submission:

Ambry Genetics
Classification: Uncertain significance. Last evaluated: 2025-08-20. Review status: criteria provided, single submitter. Criteria: Ambry Variant Classification Scheme 2023. Collection method: clinical testing. Allele origin: germline.
Comment: The p.E322K variant (also known as c.964G>A), located in coding exon 1 of the MLH3 gene, results from a G to A substitution at nucleotide position 964. The glutamic acid at codon 322 is replaced by lysine, an amino acid with similar properties. This amino acid position is conserved. In addition, the in silico prediction for this alteration is inconclusive. Based on the available evidence, the clinical significance of this variant remains unclear.